The following is an entry in ClinVar:

ClinVar aggregate classification (germline): Uncertain significance. Review status: criteria provided, multiple submitters, no conflicts (2 of 4 stars). 4 submissions from 4 submitters: Uncertain significance (3). 1 of the submissions does not count toward it. Last evaluated 2024-12-22.

Conditions:
Becker muscular dystrophy (BMD). Also called: MUSCULAR DYSTROPHY, PSEUDOHYPERTROPHIC PROGRESSIVE, BECKER TYPE; Becker Muscular Dystrophy (BMD). Identifiers: Orphanet 98895, MedGen C0917713, MONDO:0010311, OMIM 300376.
Cardiomyopathy (CMYO). Also called: Cardiomyopathies. Identifiers: Orphanet 167848, MedGen C0878544, MONDO:0004994, HP:0001638. Inheritance: Various modes of inheritance.
Duchenne muscular dystrophy (DMD). Also called: MUSCULAR DYSTROPHY, PSEUDOHYPERTROPHIC PROGRESSIVE, DUCHENNE TYPE; Duchenne Muscular Dystrophy (DMD). Identifiers: Orphanet 98896, MedGen C0013264, MONDO:0010679, OMIM 310200.
Dystrophin deficiency.
Cardiovascular phenotype. Identifiers: MedGen CN230736.

Allele frequency attached by ClinVar (database versions not stated): gnomAD exomes below 0.00001; TOPMed 0.00001; gnomAD 0.00003.
gnomAD v4.1: 7 of 1,208,969 alleles (0.00058%); highest among the groups gnomAD compares: African/African-American, 0.011%; no homozygotes.

Submissions (4):

Labcorp Genetics (formerly Invitae), Labcorp
Classification: Uncertain significance for Duchenne muscular dystrophy. Last evaluated: 2024-12-22. Review status: criteria provided, single submitter. Criteria: Invitae Variant Classification Sherloc (09022015). Collection method: clinical testing. Allele origin: germline.
Comment: This sequence change replaces threonine, which is neutral and polar, with arginine, which is basic and polar, at codon 3652 of the DMD protein (p.Thr3652Arg). This variant is present in population databases (no rsID available, gnomAD 0.02%). This variant has not been reported in the literature in individuals affected with DMD-related conditions. ClinVar contains an entry for this variant (Variation ID: 430509). Invitae Evidence Modeling of protein sequence and biophysical properties (such as structural, functional, and spatial information, amino acid conservation, physicochemical variation, residue mobility, and thermodynamic stability) indicates that this missense variant is not expected to disrupt DMD protein function with a negative predictive value of 95%. In summary, the available evidence is currently insufficient to determine the role of this variant in disease. Therefore, it has been classified as a Variant of Uncertain Significance.

GeneDx
Classification: Uncertain significance. Last evaluated: 2022-08-17. Review status: criteria provided, single submitter. Criteria: GeneDx Variant Classification Process June 2021. Collection method: clinical testing. Allele origin: germline. Affected: yes.
Comment: In silico analysis supports that this missense variant has a deleterious effect on protein structure/function; Has not been previously published as pathogenic or benign to our knowledge

Ambry Genetics
Classification: Uncertain significance for Cardiovascular phenotype. Last evaluated: 2021-08-02. Review status: criteria provided, single submitter. Criteria: Ambry Variant Classification Scheme 2023. Collection method: clinical testing. Allele origin: germline.
Comment: The p.T3652R variant (also known as c.10955C>G), located in coding exon 77 of the DMD gene, results from a C to G substitution at nucleotide position 10955. The threonine at codon 3652 is replaced by arginine, an amino acid with similar properties. Based on data from gnomAD, the G allele has an overall frequency of 0.004623% (1/21633) total alleles studied, with 0 hemizygote(s) observed. The highest observed frequency was 0.01727% (1/5791) of African American alleles. This amino acid position is well conserved in available vertebrate species. In addition, this alteration is predicted to be tolerated by in silico analysis. Since supporting evidence is limited at this time, the clinical significance of this alteration remains unclear.

Natera, Inc.
Classification: Uncertain significance for Becker muscular dystrophy; Cardiomyopathy; Duchenne muscular dystrophy; Dystrophin deficiency. Last evaluated: 2018-06-26. Review status: no assertion criteria provided. Collection method: clinical testing. Allele origin: germline. Not counted in ClinVar's aggregate classification.

NM_004006.3(DMD):c.10955C>G (p.Thr3652Arg)

Gene: DMD (dystrophin; minus strand). Cytogenetic location: Xp21.2.
Variant type: single nucleotide variant.
Coding change: c.10955C>G on transcript NM_004006.3 (MANE Select); coding-DNA position 10955, C replaced by G.
Protein change: p.Thr3652Arg; replaces threonine 3652 with arginine.
Molecular consequence: missense variant.
Genome position (GRCh38, 1-based): chrX:31,134,161, G>C on the plus strand (C>G on the coding strand, the complement: DMD is on the minus strand). VCF-style: chrX-31134161-G-C. GRCh37 (hg19) VCF-style: chrX-31152278-G-C.
Other names: c.10931C>G, p.Thr3644Arg (NM_000109.4); c.10943C>G, p.Thr3648Arg (NM_004009.3); c.10586C>G, p.Thr3529Arg (NM_004010.3); c.6932C>G, p.Thr2311Arg (NM_004011.4); c.6923C>G, p.Thr2308Arg (NM_004012.4); c.3575C>G, p.Thr1192Arg (NM_004013.3, NM_004021.3); c.2768C>G, p.Thr923Arg (NM_004014.3); c.1751C>G, p.Thr584Arg (NM_004015.3, NM_004016.3); and 3 more; short protein forms T3652R, T1179R, T1192R, T2308R, T2311R, T3529R, T3644R, T584R.
Identifiers: ClinVar variation 430509 (VCV000430509.10), dbSNP rs1131691998, ClinGen allele CA412648193.